The following is an entry in ClinVar:

NM_005732.4(RAD50):c.2878G>C (p.Asp960His)

Gene: RAD50 (RAD50 double strand break repair protein; plus strand). Cytogenetic location: 5q31.1.
Variant type: single nucleotide variant.
Coding change: c.2878G>C on transcript NM_005732.4 (MANE Select); coding-DNA position 2878, G replaced by C.
Protein change: p.Asp960His; replaces aspartic acid 960 with histidine.
Molecular consequence: missense variant.
Genome position (GRCh38, 1-based): chr5:132,609,165, G>C. VCF-style: chr5-132609165-G-C. GRCh37 (hg19) VCF-style: chr5-131944857-G-C.
Other names: short protein forms D960H.
Identifiers: ClinVar variation 480481 (VCV000480481.16), dbSNP rs1554099366, ClinGen allele CA360959723.

ClinVar aggregate classification (germline): Uncertain significance. Review status: criteria provided, multiple submitters, no conflicts (2 of 4 stars). 2 submissions from 2 submitters: Uncertain significance (2). Last evaluated 2023-11-15.

Conditions:
Hereditary cancer-predisposing syndrome. Also called: Hereditary Cancer Syndrome; Neoplastic Syndromes, Hereditary; Tumor predisposition; Hereditary neoplastic syndrome. Identifiers: Orphanet 140162, MedGen C0027672, MeSH D009386, MONDO:0015356.

Submissions (2):

Labcorp Genetics (formerly Invitae), Labcorp
Classification: Uncertain significance for Hereditary cancer-predisposing syndrome. Last evaluated: 2023-11-15. Review status: criteria provided, single submitter. Criteria: Invitae Variant Classification Sherloc (09022015). Collection method: clinical testing. Allele origin: germline.
Comment: This sequence change replaces aspartic acid, which is acidic and polar, with histidine, which is basic and polar, at codon 960 of the RAD50 protein (p.Asp960His). This variant is not present in population databases (gnomAD no frequency). This variant has not been reported in the literature in individuals affected with RAD50-related conditions. ClinVar contains an entry for this variant (Variation ID: 480481). Advanced modeling of protein sequence and biophysical properties (such as structural, functional, and spatial information, amino acid conservation, physicochemical variation, residue mobility, and thermodynamic stability) performed at Invitae indicates that this missense variant is not expected to disrupt RAD50 protein function with a negative predictive value of 80%. In summary, the available evidence is currently insufficient to determine the role of this variant in disease. Therefore, it has been classified as a Variant of Uncertain Significance.

Ambry Genetics
Classification: Uncertain significance for Hereditary cancer-predisposing syndrome. Last evaluated: 2022-07-30. Review status: criteria provided, single submitter. Criteria: Ambry Variant Classification Scheme 2023. Collection method: clinical testing. Allele origin: germline.
Comment: The p.D960H variant (also known as c.2878G>C), located in coding exon 18 of the RAD50 gene, results from a G to C substitution at nucleotide position 2878. The aspartic acid at codon 960 is replaced by histidine, an amino acid with similar properties. This amino acid position is not well conserved in available vertebrate species. In addition, this alteration is predicted to be tolerated by in silico analysis. Since supporting evidence is limited at this time, the clinical significance of this alteration remains unclear.